The following is an entry in ClinVar:

ClinVar aggregate classification (germline): Uncertain significance. Review status: criteria provided, multiple submitters, no conflicts (2 of 4 stars). 2 submissions from 2 submitters: Uncertain significance (2). Last evaluated 2025-03-17.

Conditions:
Inborn genetic diseases. Identifiers: MedGen C0950123, MeSH D030342.

Allele frequency attached by ClinVar (database versions not stated): gnomAD exomes 0.00001; TOPMed 0.00004.
gnomAD v4.1: 4 of 1,510,368 alleles (0.00026%); highest among the groups gnomAD compares: Admixed American, 0.0089%; no homozygotes.

Submissions (2):

Labcorp Genetics (formerly Invitae), Labcorp
Classification: Uncertain significance. Last evaluated: 2025-03-17. Review status: criteria provided, single submitter. Criteria: Invitae Variant Classification Sherloc (09022015). Collection method: clinical testing. Allele origin: germline.
Comment: This sequence change replaces aspartic acid, which is acidic and polar, with glycine, which is neutral and non-polar, at codon 9 of the IFITM5 protein (p.Asp9Gly). This variant is present in population databases (rs767982316, gnomAD 0.02%). This missense change has been observed in individual(s) with clinical features of IFITM5-related conditions (internal data). ClinVar contains an entry for this variant (Variation ID: 2196306). An algorithm developed to predict the effect of missense changes on protein structure and function outputs the following: PolyPhen-2: "Benign". The glycine amino acid residue is found in multiple mammalian species, which suggests that this missense change does not adversely affect protein function. In summary, the available evidence is currently insufficient to determine the role of this variant in disease. Therefore, it has been classified as a Variant of Uncertain Significance.

Ambry Genetics
Classification: Uncertain significance for Inborn genetic diseases. Last evaluated: 2025-02-05. Review status: criteria provided, single submitter. Criteria: Ambry Variant Classification Scheme 2023. Collection method: clinical testing. Allele origin: germline.

NM_001025295.3(IFITM5):c.26A>G (p.Asp9Gly)

Gene: IFITM5 (interferon induced transmembrane protein 5; minus strand). Cytogenetic location: 11p15.5.
Variant type: single nucleotide variant.
Coding change: c.26A>G on transcript NM_001025295.3 (MANE Select); coding-DNA position 26, A replaced by G.
Protein change: p.Asp9Gly; replaces aspartic acid 9 with glycine.
Molecular consequence: missense variant.
Genome position (GRCh38, 1-based): chr11:299,465, T>C on the plus strand (A>G on the coding strand, the complement: IFITM5 is on the minus strand). VCF-style: chr11-299465-T-C. GRCh37 (hg19) VCF-style: chr11-299465-T-C.
Other names: c.26A>G (NM_001025295.1); short protein forms D9G.
Identifiers: ClinVar variation 2196306 (VCV002196306.5), dbSNP rs767982316, ClinGen allele CA5773529.